The following is an entry in ClinVar:

ClinVar aggregate classification (germline): Uncertain significance (1 of 4 stars; one submission).

Conditions:
Hereditary cancer-predisposing syndrome. Also called: Neoplastic Syndromes, Hereditary; Tumor predisposition; Hereditary Cancer Syndrome; Hereditary neoplastic syndrome. Identifiers: Orphanet 140162, MedGen C0027672, MeSH D009386, MONDO:0015356.

Submission:

Ambry Genetics
Classification: Uncertain significance for Hereditary cancer-predisposing syndrome. Last evaluated: 2025-11-12. Review status: criteria provided, single submitter. Criteria: Ambry Variant Classification Scheme 2023. Collection method: clinical testing. Allele origin: germline.
Comment: The p.W1508S variant (also known as c.4523G>C), located in coding exon 13 of the BRCA1 gene, results from a G to C substitution at nucleotide position 4523. The tryptophan at codon 1508 is replaced by serine, an amino acid with highly dissimilar properties. This amino acid position is not well conserved in available vertebrate species. In addition, the in silico prediction for this alteration is inconclusive. Based on the available evidence, the clinical significance of this variant remains unclear.

NM_007294.4(BRCA1):c.4523G>C (p.Trp1508Ser)

Gene: BRCA1 (BRCA1 DNA repair associated; minus strand). Cytogenetic location: 17q21.31.
Variant type: single nucleotide variant.
Coding change: c.4523G>C on transcript NM_007294.4 (MANE Select); coding-DNA position 4523, G replaced by C.
Protein change: p.Trp1508Ser; replaces tryptophan 1508 with serine.
Molecular consequence: missense variant. On other transcripts: intron variant (3).
Genome position (GRCh38, 1-based): chr17:43,074,483, C>G on the plus strand (G>C on the coding strand, the complement: BRCA1 is on the minus strand). VCF-style: chr17-43074483-C-G. GRCh37 (hg19) VCF-style: chr17-41226500-C-G.
Other names: c.1073G>C, p.Trp358Ser (NM_001408452.1, NM_001408453.1, NM_001408454.1 and 3 more transcripts); c.1070G>C, p.Trp357Ser (NM_001408458.1, NM_001408459.1, NM_001408460.1 and 7 more transcripts); c.4310G>C, p.Trp1437Ser (NM_001407571.1, NM_001407894.1, NM_001407895.1 and 12 more transcripts); c.4586G>C, p.Trp1529Ser (NM_001407583.1, NM_001407585.1, NM_001407587.1 and 1 more transcripts); c.4589G>C, p.Trp1530Ser (NM_001407581.1, NM_001407582.1); c.1067G>C, p.Trp356Ser (NM_001408468.1, NM_001408469.1, NM_001408470.1); c.1211G>C, p.Trp404Ser (NM_001408472.1, NM_007298.4, NM_007299.4 and 12 more transcripts); c.1208G>C, p.Trp403Ser (NM_001408473.1, NM_001408392.1, NM_001408396.1 and 8 more transcripts); and 71 more; short protein forms W1212S, W1379S, W1397S, W1436S, W1481S, W1488S, W1503S, W1506S.
Identifiers: ClinVar variation 4625349 (VCV004625349.1).